The following is an entry in ClinVar:

NM_001429.4(EP300):c.6520A>G (p.Thr2174Ala)

Gene: EP300 (EP300 lysine acetyltransferase; plus strand). Cytogenetic location: 22q13.2.
Variant type: single nucleotide variant.
Coding change: c.6520A>G on transcript NM_001429.4 (MANE Select); coding-DNA position 6520, A replaced by G.
Protein change: p.Thr2174Ala; replaces threonine 2174 with alanine.
Molecular consequence: missense variant.
Genome position (GRCh38, 1-based): chr22:41,178,231, A>G. VCF-style: chr22-41178231-A-G. GRCh37 (hg19) VCF-style: chr22-41574235-A-G.
Other names: c.6442A>G, p.Thr2148Ala (NM_001362843.2); c.6520A>G (NM_001429.3); short protein forms T2174A, T2148A.
Identifiers: ClinVar variation 1428618 (VCV001428618.7), dbSNP rs5758252, ClinGen allele CA10253875.

ClinVar aggregate classification (germline): Uncertain significance. Review status: criteria provided, multiple submitters, no conflicts (2 of 4 stars). 2 submissions from 2 submitters: Uncertain significance (2). Last evaluated 2026-04-08.

Conditions:
EP300-related disorder. Also called: EP300-related disorders; EP300-related condition.
Rubinstein-Taybi syndrome due to EP300 haploinsufficiency. Also called: EP300-Related Rubinstein-Taybi Syndrome; RUBINSTEIN-TAYBI SYNDROME 2. Identifiers: Orphanet 353284, Orphanet 783, MedGen C3150941, MONDO:0013364, OMIM 613684.

Allele frequency attached by ClinVar (database versions not stated): gnomAD exomes below 0.00001; ExAC 0.00001.
gnomAD v4.1: 1 of 1,613,730 alleles (0.000062%); highest among the groups gnomAD compares: Non-Finnish European, 0.000085%; no homozygotes.

Submissions (2):

PreventionGenetics, part of Exact Sciences
Classification: Uncertain significance for EP300-related condition. Last evaluated: 2026-04-08. Review status: criteria provided, single submitter. Criteria: ACMG Guidelines, 2015. Collection method: clinical testing. Allele origin: germline.
Comment: The EP300 c.6520A>G variant is predicted to result in the amino acid substitution p.Thr2174Ala. To our knowledge, this variant has not been reported in the literature. This variant is reported in 0.00088% of alleles in individuals of European (Non-Finnish) descent in gnomAD. At this time, the clinical significance of this variant is uncertain due to the absence of conclusive functional and genetic evidence.

Labcorp Genetics (formerly Invitae), Labcorp
Classification: Uncertain significance for Rubinstein-Taybi syndrome due to EP300 haploinsufficiency. Last evaluated: 2021-10-25. Review status: criteria provided, single submitter. Criteria: Invitae Variant Classification Sherloc (09022015). Collection method: clinical testing. Allele origin: germline.
Comment: This sequence change replaces threonine with alanine at codon 2174 of the EP300 protein (p.Thr2174Ala). The threonine residue is highly conserved and there is a small physicochemical difference between threonine and alanine. This variant is present in population databases (rs5758252, ExAC 0.002%). This variant has not been reported in the literature in individuals affected with EP300-related conditions. Advanced modeling of protein sequence and biophysical properties (such as structural, functional, and spatial information, amino acid conservation, physicochemical variation, residue mobility, and thermodynamic stability) performed at Invitae indicates that this missense variant is not expected to disrupt EP300 protein function. In summary, the available evidence is currently insufficient to determine the role of this variant in disease. Therefore, it has been classified as a Variant of Uncertain Significance.